The following is an entry in ClinVar:

NM_001193315.2(VIPAS39):c.51C>T (p.Phe17=)

Gene: VIPAS39 (VPS33B interacting protein, apical-basolateral polarity regulator, spe-39 homolog; minus strand). Cytogenetic location: 14q24.3.
Variant type: single nucleotide variant.
Coding change: c.51C>T on transcript NM_001193315.2 (MANE Select); coding-DNA position 51, C replaced by T.
Protein change: p.Phe17=; no amino-acid change (phenylalanine 17 retained).
Molecular consequence: synonymous variant. On other transcripts: non-coding transcript variant (1).
Genome position (GRCh38, 1-based): chr14:77,454,052, G>A on the plus strand (C>T on the coding strand, the complement: VIPAS39 is on the minus strand). VCF-style: chr14-77454052-G-A. GRCh37 (hg19) VCF-style: chr14-77920395-G-A.
Other names: c.51C>T, p.Phe17= (NM_001193314.2, NM_001193316.2, NM_001193317.2 and 15 more transcripts).
Identifiers: ClinVar variation 3029014 (VCV003029014.2), dbSNP rs1373319067, ClinGen allele CA487325820.

ClinVar aggregate classification (germline): Likely benign (0 of 4 stars; one submission).

Conditions:
VIPAS39-related disorder. Also called: VIPAS39-related condition.

Allele frequency attached by ClinVar (database versions not stated): TOPMed below 0.00001; gnomAD 0.00001.
gnomAD v4.1: 1 of 1,614,070 alleles (0.000062%); highest among the groups gnomAD compares: African/African-American, 0.0013%; no homozygotes.

Submission:

PreventionGenetics, part of Exact Sciences
Classification: Likely benign for VIPAS39-related condition. Last evaluated: 2021-08-24. Review status: no assertion criteria provided. Collection method: clinical testing. Allele origin: germline.
Comment: This variant is classified as likely benign based on ACMG/AMP sequence variant interpretation guidelines (Richards et al. 2015 PMID: 25741868, with internal and published modifications).